The following is an entry in ClinVar:

ClinVar aggregate classification (germline): Conflicting classifications of pathogenicity. Review status: criteria provided, conflicting classifications (1 of 4 stars). 3 submissions from 3 submitters: Likely pathogenic (1); Uncertain significance (1). 1 of the submissions does not count toward it. Last evaluated 2026-09-10.

Conditions:
ELN-related disorder.
Supravalvar aortic stenosis (SVAS). Also called: Supravalvar aortic stenosis, Eisenberg type. Identifiers: Orphanet 3193, MedGen C0003499, MONDO:0008504, OMIM 185500, HP:0004381.

Allele frequency attached by ClinVar (database versions not stated): ExAC 0.00001; gnomAD exomes 0.00001 and 0.00002; TOPMed 0.00002; gnomAD 0.00003 and 0.00004.
gnomAD v4.1: 14 of 1,612,040 alleles (0.00087%); highest among the groups gnomAD compares: Admixed American, 0.01%; no homozygotes.

Submissions (3):

GeneDx
Classification: Uncertain significance. Last evaluated: 2026-09-10. Review status: criteria provided, single submitter. Criteria: GeneDx Variant Classification Process June 2021. Collection method: clinical testing. Allele origin: germline.
Comment: Identified in a patient in published literature who did not meet inclusion criteria for having an ELN-related phenotype as defined by the authors (PMID: 39604264); Canonical splice site variant with an unclear effect on protein function; This variant is associated with the following publications: (PMID: 31589614, 39604264)

Labcorp Genetics (formerly Invitae), Labcorp
Classification: Likely pathogenic for Supravalvar aortic stenosis. Last evaluated: 2025-09-07. Review status: criteria provided, single submitter. Criteria: Invitae Variant Classification Sherloc (09022015). Collection method: clinical testing. Allele origin: germline.
Comment: This sequence change affects an acceptor splice site in intron 3 of the ELN gene. It is expected to disrupt RNA splicing. Variants that disrupt the donor or acceptor splice site typically lead to a loss of protein function (PMID: 16199547), and loss-of-function variants in ELN are known to be pathogenic (PMID: 11175284). This variant is present in population databases (rs782096458, gnomAD 0.01%). This variant has not been reported in the literature in individuals affected with ELN-related conditions. ClinVar contains an entry for this variant (Variation ID: 380361). Algorithms developed to predict the effect of sequence changes on RNA splicing suggest that this variant may disrupt the consensus splice site. In summary, the currently available evidence indicates that the variant is pathogenic, but additional data are needed to prove that conclusively. Therefore, this variant has been classified as Likely Pathogenic.

PreventionGenetics, part of Exact Sciences
Classification: Likely pathogenic for ELN-related condition. Last evaluated: 2023-12-07. Review status: no assertion criteria provided. Collection method: clinical testing. Allele origin: germline. Not counted in ClinVar's aggregate classification.
Comment: The ELN c.164-2A>C variant is predicted to disrupt the AG splice acceptor site and interfere with normal splicing. To our knowledge, this variant has not been reported in a patient with an ELN related disorder. This variant is reported in 0.014% of alleles in individuals of Latino descent in gnomAD. Variants that disrupt the consensus splice acceptor site in ELN are expected to be pathogenic. This variant is interpreted as likely pathogenic.

Literature cited by the submitters: PubMed 16199547 (cited by Labcorp Genetics (formerly Invitae), Labcorp); PubMed 11175284 (cited by Labcorp Genetics (formerly Invitae), Labcorp).

NM_000501.4(ELN):c.164-2A>C

Gene: ELN (elastin; plus strand). Cytogenetic location: 7q11.23.
Variant type: single nucleotide variant.
Coding change: c.164-2A>C on transcript NM_000501.4 (MANE Select); the canonical splice acceptor site of the intron before coding-DNA position 164, A replaced by C.
Molecular consequence: splice acceptor variant.
Genome position (GRCh38, 1-based): chr7:74,037,705, A>C. VCF-style: chr7-74037705-A-C. GRCh37 (hg19) VCF-style: chr7-73452035-A-C.
Other names: c.164-2A>C (NM_001081754.3, NM_001081753.3, NM_001278939.2 and 6 more transcripts); c.134-2A>C (NM_001278914.2, NM_001278917.2, NM_001081752.3 and 1 more transcripts).
Identifiers: ClinVar variation 380361 (VCV000380361.15), dbSNP rs782096458, ClinGen allele CA4292350.